The following is an entry in ClinVar:

ClinVar aggregate classification (germline): Conflicting classifications of pathogenicity. Review status: criteria provided, conflicting classifications (1 of 4 stars). 3 submissions from 3 submitters: Uncertain significance (2); Likely benign (1). Last evaluated 2026-07-10.

Conditions:
CEP290-related disorder. Also called: CEP290-related condition; CEP290-related disorders. Identifiers: MedGen CN239314.
Inborn genetic diseases. Identifiers: MedGen C0950123, MeSH D030342.
Joubert syndrome. Also called: JOUBERT-BOLTSHAUSER SYNDROME; Familial aplasia of the vermis. Identifiers: Orphanet 475, MedGen C5979921, MONDO:0018772.
Nephronophthisis. Also called: Juvenile Nephronophthisis. Identifiers: Orphanet 655, MedGen C0687120, MONDO:0019005, HP:0000090.
Meckel-Gruber syndrome. Also called: DYSENCEPHALIA SPLANCHNOCYSTICA; GRUBER SYNDROME; Dysencephalia splachnocystica. Identifiers: Orphanet 564, MedGen C0265215, MONDO:0018921.

Allele frequency attached by ClinVar (database versions not stated): gnomAD exomes below 0.00001 and 0.00001; ExAC 0.00005; gnomAD 0.00001.
gnomAD v4.1: 7 of 1,432,892 alleles (0.00049%); highest among the groups gnomAD compares: Non-Finnish European, 0.00067%; no homozygotes.

Submissions (3):

PreventionGenetics, part of Exact Sciences
Classification: Uncertain significance for CEP290-related condition. Last evaluated: 2026-07-10. Review status: criteria provided, single submitter. Criteria: ACMG Guidelines, 2015. Collection method: clinical testing. Allele origin: germline.
Comment: The CEP290 c.1826A>G variant is predicted to result in the amino acid substitution p.Asn609Ser. To our knowledge, this variant has not been reported in the literature. This variant is reported in 0.0027% of alleles in individuals of European (Non-Finnish) descent in gnomAD. At this time, the clinical significance of this variant is uncertain due to the absence of conclusive functional and genetic evidence.

Ambry Genetics
Classification: Likely benign for Inborn genetic diseases. Last evaluated: 2026-06-29. Review status: criteria provided, single submitter. Criteria: Ambry Variant Classification Scheme 2023. Collection method: clinical testing. Allele origin: germline.

Labcorp Genetics (formerly Invitae), Labcorp
Classification: Uncertain significance for Joubert syndrome; Meckel-Gruber syndrome; Nephronophthisis. Last evaluated: 2022-03-04. Review status: criteria provided, single submitter. Criteria: Invitae Variant Classification Sherloc (09022015). Collection method: clinical testing. Allele origin: germline.
Comment: This sequence change replaces asparagine, which is neutral and polar, with serine, which is neutral and polar, at codon 609 of the CEP290 protein (p.Asn609Ser). This variant is present in population databases (rs761662102, gnomAD 0.003%). This variant has not been reported in the literature in individuals affected with CEP290-related conditions. ClinVar contains an entry for this variant (Variation ID: 964470). Algorithms developed to predict the effect of missense changes on protein structure and function output the following: SIFT: "Tolerated"; PolyPhen-2: "Benign"; Align-GVGD: "Class C0". The serine amino acid residue is found in multiple mammalian species, which suggests that this missense change does not adversely affect protein function. In summary, the available evidence is currently insufficient to determine the role of this variant in disease. Therefore, it has been classified as a Variant of Uncertain Significance.

NM_025114.4(CEP290):c.1826A>G (p.Asn609Ser)

Gene: CEP290 (centrosomal protein 290; minus strand). Cytogenetic location: 12q21.32.
Variant type: single nucleotide variant.
Coding change: c.1826A>G on transcript NM_025114.4 (MANE Select); coding-DNA position 1826, A replaced by G.
Protein change: p.Asn609Ser; replaces asparagine 609 with serine.
Molecular consequence: missense variant.
Genome position (GRCh38, 1-based): chr12:88,115,181, T>C on the plus strand (A>G on the coding strand, the complement: CEP290 is on the minus strand). VCF-style: chr12-88115181-T-C. GRCh37 (hg19) VCF-style: chr12-88508958-T-C.
Other names: short protein forms N609S.
Identifiers: ClinVar variation 964470 (VCV000964470.8), dbSNP rs761662102, ClinGen allele CA6712445.